The following is an entry in ClinVar:

NM_000059.4(BRCA2):c.5836_5837insA (p.Ser1946fs)

Gene: BRCA2 (BRCA2 DNA repair associated; plus strand). Cytogenetic location: 13q13.1.
Variant type: Insertion.
Coding change: c.5836_5837insA on transcript NM_000059.4 (MANE Select); coding-DNA positions 5836 to 5837, A inserted.
Protein change: p.Ser1946fs; shifts the reading frame from serine 1946.
Molecular consequence: frameshift variant.
Genome position: GRCh38 VCF-style: chr13-32340191-T-TA. GRCh37 (hg19) VCF-style: chr13-32914328-T-TA.
Other names: 6064insA; short protein forms S1946fs.
Identifiers: ClinVar variation 51949 (VCV000051949.4), dbSNP rs80359542, ClinGen allele CA023285.
Genomic context (GRCh38, chr13:32,340,191, plus strand): 5'-AGTGAAGAAATTTTACAACATAACCAAAATATGTCTGGATTGGAGAAAGTTTCTAAAATA[T>TA]CACCTTGTGATGTTAGTTTGGAAACTTCAGATATATGTAAATGTAGTATAGGGAAGCTTC-3'

ClinVar aggregate classification (germline): Pathogenic. Review status: reviewed by expert panel (3 of 4 stars). 2 submissions from 2 submitters: Pathogenic (1). 1 of the submissions does not count toward it. Last evaluated 2016-09-08.

Conditions:
Breast-ovarian cancer, familial, susceptibility to, 2 (BROVCA2). Also called: BRCA2 Hereditary Breast and Ovarian Cancer. Identifiers: Orphanet 145, MedGen C2675520, MONDO:0012933, OMIM 612555. Disease mechanism: loss of function.

Submissions (2):

Evidence-based Network for the Interpretation of Germline Mutant Alleles (ENIGMA)
Classification: Pathogenic for Breast-ovarian cancer, familial, susceptibility to, 2. Last evaluated: 2016-09-08. Review status: reviewed by expert panel. Criteria: ENIGMA BRCA1/2 Classification Criteria (2015). Collection method: curation. Allele origin: germline.
Comment: Variant allele predicted to encode a truncated non-functional protein.

Breast Cancer Information Core (BIC) (BRCA2)
Classification: Pathogenic for Breast-ovarian cancer, familial 2. Last evaluated: 1999-08-27. Review status: no assertion criteria provided. Collection method: clinical testing. Allele origin: unknown. Affected: yes. Observed: 1 variant allele. Not counted in ClinVar's aggregate classification.